The following is an entry in ClinVar:

ClinVar aggregate classification (germline): Uncertain significance (1 of 4 stars; one submission).

Conditions:
Pitt-Hopkins-like syndrome 2 (PTHSL2). Identifiers: Orphanet 221150, Orphanet 600663, MedGen C3280479, MONDO:0013690, OMIM 614325.

gnomAD v4.1: 1 of 1,612,586 alleles (0.000062%); highest among the groups gnomAD compares: East Asian, 0.0022%; no homozygotes.

Submission:

Labcorp Genetics (formerly Invitae), Labcorp
Classification: Uncertain significance for Pitt-Hopkins-like syndrome 2. Last evaluated: 2024-03-09. Review status: criteria provided, single submitter. Criteria: Invitae Variant Classification Sherloc (09022015). Collection method: clinical testing. Allele origin: germline.
Comment: This sequence change replaces alanine, which is neutral and non-polar, with threonine, which is neutral and polar, at codon 870 of the NRXN1 protein (p.Ala870Thr). This variant is present in population databases (rs759806453, gnomAD 0.02%). This variant has not been reported in the literature in individuals affected with NRXN1-related conditions. An algorithm developed to predict the effect of missense changes on protein structure and function (PolyPhen-2) suggests that this variant is likely to be tolerated. In summary, the available evidence is currently insufficient to determine the role of this variant in disease. Therefore, it has been classified as a Variant of Uncertain Significance.

NM_001330078.2(NRXN1):c.2488G>A (p.Ala830Thr)

Gene: NRXN1 (neurexin 1; minus strand). Cytogenetic location: 2p16.3.
Variant type: single nucleotide variant.
Coding change: c.2488G>A on transcript NM_001330078.2 (MANE Select); coding-DNA position 2488, G replaced by A.
Protein change: p.Ala830Thr; replaces alanine 830 with threonine.
Molecular consequence: missense variant.
Genome position (GRCh38, 1-based): chr2:50,506,504, C>T on the plus strand (G>A on the coding strand, the complement: NRXN1 is on the minus strand). VCF-style: chr2-50506504-C-T. GRCh37 (hg19) VCF-style: chr2-50733642-C-T.
Other names: c.2608G>A, p.Ala870Thr (NM_001135659.3); c.2464G>A, p.Ala822Thr (NM_001330077.2, NM_001330082.2); c.2422G>A, p.Ala808Thr (NM_001330083.2, NM_001330084.2); c.2461G>A, p.Ala821Thr (NM_001330085.2); c.2488G>A, p.Ala830Thr (NM_001330086.2, NM_004801.6); c.2377G>A, p.Ala793Thr (NM_001330087.2, NM_001330096.2); c.2407G>A, p.Ala803Thr (NM_001330088.2); c.2485G>A, p.Ala829Thr (NM_001330093.2); and 2 more; short protein forms A803T, A821T, A822T, A830T, A813T, A829T, A870T, A793T.
Identifiers: ClinVar variation 3665799 (VCV003665799.2).